The following is an entry in ClinVar:

NM_004260.4(RECQL4):c.2157C>T (p.Leu719=)

Gene: RECQL4 (RecQ like helicase 4; minus strand). Cytogenetic location: 8q24.3.
Variant type: single nucleotide variant.
Coding change: c.2157C>T on transcript NM_004260.4 (MANE Select); coding-DNA position 2157, C replaced by T.
Protein change: p.Leu719=; no amino-acid change (leucine 719 retained).
Molecular consequence: synonymous variant.
Genome position (GRCh38, 1-based): chr8:144,513,614, G>A on the plus strand (C>T on the coding strand, the complement: RECQL4 is on the minus strand). VCF-style: chr8-144513614-G-A. GRCh37 (hg19) VCF-style: chr8-145738998-G-A.
Identifiers: ClinVar variation 712220 (VCV000712220.17), dbSNP rs781172674, ClinGen allele CA4948440.
Genomic context (GRCh38, chr8:144,513,614, plus strand): 5'-CTCTGTCCATGCCGCACCTCCAGACCCTGGGACCCAGGCTGCGTGCAGGCAGGTTCGGAG[G>A]AGCGCAGCGATCCGCTCTGTGTCCTCGCGCCGGTTGCAGTAAATGATAATGGAATCGAGG-3'
Protein context (NP_004251.4, residues 709-729): RREDTERIAA[Leu719=]LRTCLHAAWV

ClinVar aggregate classification (germline): Likely benign. Review status: criteria provided, multiple submitters, no conflicts (2 of 4 stars). 3 submissions from 3 submitters: Likely benign (3). Last evaluated 2025-04-01.

Conditions:
Inborn genetic diseases. Identifiers: MedGen C0950123, MeSH D030342.
Baller-Gerold syndrome (BGS). Also called: CRANIOSYNOSTOSIS WITH RADIAL DEFECTS. Identifiers: Orphanet 1225, MedGen C0265308, MONDO:0009039, OMIM 218600.

Allele frequency attached by ClinVar (database versions not stated): TOPMed below 0.00001; gnomAD 0.00001; gnomAD exomes 0.00001; ExAC 0.00003.

Submissions (3):

CeGaT Center for Human Genetics Tuebingen
Classification: Likely benign. Last evaluated: 2025-04-01. Review status: criteria provided, single submitter. Criteria: CeGaT Center For Human Genetics Tuebingen Variant Classification Criteria Version 2. Collection method: clinical testing. Allele origin: germline. Affected: yes. Observed: 1 variant allele.
Comment: RECQL4: BP4, BP7

Ambry Genetics
Classification: Likely benign for Inborn genetic diseases. Last evaluated: 2025-03-08. Review status: criteria provided, single submitter. Criteria: Ambry Variant Classification Scheme 2023. Collection method: clinical testing. Allele origin: germline.

Labcorp Genetics (formerly Invitae), Labcorp
Classification: Likely benign for Baller-Gerold syndrome. Last evaluated: 2024-07-25. Review status: criteria provided, single submitter. Criteria: Invitae Variant Classification Sherloc (09022015). Collection method: clinical testing. Allele origin: germline.